The following is an entry in ClinVar:

ClinVar aggregate classification (germline): Pathogenic (1 of 4 stars; one submission).

Conditions:
DNA ligase IV deficiency. Identifiers: Orphanet 99812, MedGen C1847827, MONDO:0011686, OMIM 606593.

Submission:

Labcorp Genetics (formerly Invitae), Labcorp
Classification: Pathogenic for DNA ligase IV deficiency. Last evaluated: 2023-12-05. Review status: criteria provided, single submitter. Criteria: Invitae Variant Classification Sherloc (09022015). Collection method: clinical testing. Allele origin: germline.
Comment: This sequence change creates a premature translational stop signal (p.Glu546*) in the LIG4 gene. While this is not anticipated to result in nonsense mediated decay, it is expected to disrupt the last 366 amino acid(s) of the LIG4 protein. This variant is not present in population databases (gnomAD no frequency). This variant has not been reported in the literature in individuals affected with LIG4-related conditions. Algorithms developed to predict the effect of sequence changes on RNA splicing suggest that this variant may create or strengthen a splice site. This variant disrupts a region of the LIG4 protein in which other variant(s) (p.Arg814*) have been determined to be pathogenic (PMID: 11779494, 15333585, 24892279, 27063650). This suggests that this is a clinically significant region of the protein, and that variants that disrupt it are likely to be disease-causing. For these reasons, this variant has been classified as Pathogenic.

Literature cited by the submitters: PubMed 11779494; PubMed 15333585; PubMed 24892279; PubMed 27063650.

NM_206937.2(LIG4):c.1636G>T (p.Glu546Ter)

Gene: LIG4 (DNA ligase 4; minus strand). Cytogenetic location: 13q33.3.
Variant type: single nucleotide variant.
Coding change: c.1636G>T on transcript NM_206937.2 (MANE Select); coding-DNA position 1636, G replaced by T.
Protein change: p.Glu546Ter; replaces glutamic acid 546 with a stop codon.
Molecular consequence: nonsense.
Genome position (GRCh38, 1-based): chr13:108,209,633, C>A on the plus strand (G>T on the coding strand, the complement: LIG4 is on the minus strand). VCF-style: chr13-108209633-C-A. GRCh37 (hg19) VCF-style: chr13-108861981-C-A.
Other names: c.1636G>T, p.Glu546Ter (NM_001098268.2, NM_001352598.2, NM_001352599.2 and 6 more transcripts); c.1435G>T, p.Glu479Ter (NM_001330595.2); c.1672G>T, p.Glu558Ter (NM_001352604.2); short protein forms E546*, E479*, E558*.
Identifiers: ClinVar variation 2701101 (VCV002701101.3), dbSNP rs1304694234, ClinGen allele CA388616599.
Genomic context (GRCh38, chr13:108,209,633, plus strand): 5'-GTACGATCTCTGCTGCTTTAATCTGAACAATGACAGAATTACAAGGTTCAATGTATACTT[C>A]TGGCTTCTCTGTTCCACATAAAATGCTGCTTGGTGGAGCTTTTCTATGAAAAGGCTTCCA-3'